The following is an entry in ClinVar:

NM_022739.4(SMURF2):c.360C>T (p.Leu120=)

Gene: SMURF2 (SMAD specific E3 ubiquitin protein ligase 2; minus strand). Cytogenetic location: 17q23.3.
Variant type: single nucleotide variant.
Coding change: c.360C>T on transcript NM_022739.4 (MANE Select); coding-DNA position 360, C replaced by T.
Protein change: p.Leu120=; no amino-acid change (leucine 120 retained).
Molecular consequence: synonymous variant.
Genome position (GRCh38, 1-based): chr17:64,591,124, G>A on the plus strand (C>T on the coding strand, the complement: SMURF2 is on the minus strand). VCF-style: chr17-64591124-G-A. GRCh37 (hg19) VCF-style: chr17-62587242-G-A.
Identifiers: ClinVar variation 3038182 (VCV003038182.2), dbSNP rs75656954, ClinGen allele CA8715166.
Genomic context (GRCh38, chr17:64,591,124, plus strand): 5'-ACTTTAAATTCCACACTTACCTACTATCTGTCCTCTAACTGTATCATTGTCATTTGGCCC[G>A]AGTTTGCATAAATCCAACCTCTGATCTATTTGAAGTCAACAAAGAAAGCAACGAAAAAAT-3'
Protein context (NP_073576.1, residues 110-130): TGYQRLDLCK[Leu120=]GPNDNDTVRG

ClinVar aggregate classification (germline): Benign (0 of 4 stars; one submission).

Conditions:
SMURF2-related disorder. Also called: SMURF2-related condition.

Allele frequency attached by ClinVar (database versions not stated): ExAC 0.01159; gnomAD 0.03598; ESP Exome Variant Server 0.03922; TOPMed 0.04142; 1000 Genomes Project 0.04353; 1000 Genomes Project 30x 0.04794.
gnomAD v4.1: 10,581 of 1,612,672 alleles (0.66%); highest among the groups gnomAD compares: African/African-American, 12%; 620 homozygotes.

Submission:

PreventionGenetics, part of Exact Sciences
Classification: Benign for SMURF2-related condition. Last evaluated: 2019-09-18. Review status: no assertion criteria provided. Collection method: clinical testing. Allele origin: germline.
Comment: This variant is classified as benign based on ACMG/AMP sequence variant interpretation guidelines (Richards et al. 2015 PMID: 25741868, with internal and published modifications).